The following is an entry in ClinVar:

NM_014000.3(VCL):c.1216G>A (p.Glu406Lys)

Gene: VCL (vinculin; plus strand). Cytogenetic location: 10q22.2.
Variant type: single nucleotide variant.
Coding change: c.1216G>A on transcript NM_014000.3 (MANE Select); coding-DNA position 1216, G replaced by A.
Protein change: p.Glu406Lys; replaces glutamic acid 406 with lysine.
Molecular consequence: missense variant.
Genome position (GRCh38, 1-based): chr10:74,090,062, G>A. VCF-style: chr10-74090062-G-A. GRCh37 (hg19) VCF-style: chr10-75849820-G-A.
Other names: c.1216G>A, p.Glu406Lys (NM_003373.4); short protein forms E406K.
Identifiers: ClinVar variation 3705385 (VCV003705385.2).

ClinVar aggregate classification (germline): Uncertain significance (1 of 4 stars; one submission).

Conditions:
Dilated cardiomyopathy 1W (CMD1W). Identifiers: Orphanet 154, MedGen C1969639, MONDO:0012667, OMIM 611407.

Submission:

Labcorp Genetics (formerly Invitae), Labcorp
Classification: Uncertain significance for Dilated cardiomyopathy 1W. Last evaluated: 2025-01-30. Review status: criteria provided, single submitter. Criteria: Invitae Variant Classification Sherloc (09022015). Collection method: clinical testing. Allele origin: germline.
Comment: This sequence change replaces glutamic acid, which is acidic and polar, with lysine, which is basic and polar, at codon 406 of the VCL protein (p.Glu406Lys). This variant is not present in population databases (gnomAD no frequency). This variant has not been reported in the literature in individuals affected with VCL-related conditions. An algorithm developed to predict the effect of missense changes on protein structure and function (PolyPhen-2) suggests that this variant is likely to be disruptive. In summary, the available evidence is currently insufficient to determine the role of this variant in disease. Therefore, it has been classified as a Variant of Uncertain Significance.